The following is an entry in ClinVar:

NM_000142.5(FGFR3):c.1204C>A (p.Pro402Thr)

Gene: FGFR3 (fibroblast growth factor receptor 3; plus strand). Cytogenetic location: 4p16.3.
Variant type: single nucleotide variant.
Coding change: c.1204C>A on transcript NM_000142.5 (MANE Select); coding-DNA position 1204, C replaced by A.
Protein change: p.Pro402Thr; replaces proline 402 with threonine.
Molecular consequence: missense variant. On other transcripts: non-coding transcript variant (1), intron variant (1).
Genome position (GRCh38, 1-based): chr4:1,804,458, C>A. VCF-style: chr4-1804458-C-A. GRCh37 (hg19) VCF-style: chr4-1806185-C-A.
Other names: c.1210C>A, p.Pro404Thr (NM_001163213.2); c.1204C>A, p.Pro402Thr (NM_001354809.2, NM_001354810.2); c.931-366C>A (NM_022965.4); short protein forms P404T, P402T.
Identifiers: ClinVar variation 3278671 (VCV003278671.2).
Genomic context (GRCh38, chr4:1,804,458, plus strand): 5'-GGCTTCTTCCTGTTCATCCTGGTGGTGGCGGCTGTGACGCTCTGCCGCCTGCGCAGCCCC[C>A]CCAAGAAAGGCCTGGGCTCCCCCACCGTGCACAAGATCTCCCGCTTCCCGCTCAAGCGAC-3'
Protein context (NP_000133.1, residues 392-412): AVTLCRLRSP[Pro402Thr]KKGLGSPTVH

ClinVar aggregate classification (germline): Uncertain significance. Review status: criteria provided, multiple submitters, no conflicts (2 of 4 stars). 2 submissions from 2 submitters: Uncertain significance (2). Last evaluated 2026-02-01.

Conditions:
Inborn genetic diseases. Identifiers: MedGen C0950123, MeSH D030342.

Submissions (2):

Labcorp Genetics (formerly Invitae), Labcorp
Classification: Uncertain significance. Last evaluated: 2026-02-01. Review status: criteria provided, single submitter. Criteria: Invitae Variant Classification Sherloc (09022015). Collection method: clinical testing. Allele origin: germline.
Comment: This sequence change replaces proline, which is neutral and non-polar, with threonine, which is neutral and polar, at codon 402 of the FGFR3 protein (p.Pro402Thr). This variant is present in population databases (rs374947075, gnomAD 0.008%). This variant has not been reported in the literature in individuals affected with FGFR3-related conditions. ClinVar contains an entry for this variant (Variation ID: 3278671). Invitae Evidence Modeling of protein sequence and biophysical properties (such as structural, functional, and spatial information, amino acid conservation, physicochemical variation, residue mobility, and thermodynamic stability) indicates that this missense variant is not expected to disrupt FGFR3 protein function with a negative predictive value of 95%. In summary, the available evidence is currently insufficient to determine the role of this variant in disease. Therefore, it has been classified as a Variant of Uncertain Significance.

Ambry Genetics
Classification: Uncertain significance for Inborn genetic diseases. Last evaluated: 2024-04-20. Review status: criteria provided, single submitter. Criteria: Ambry Variant Classification Scheme 2023. Collection method: clinical testing. Allele origin: germline.